The following is an entry in ClinVar:

ClinVar aggregate classification (germline): Pathogenic. Review status: reviewed by expert panel (3 of 4 stars). 2 submissions from 2 submitters: Pathogenic (1). 1 of the submissions does not count toward it. Last evaluated 2017-12-15.

Conditions:
Breast-ovarian cancer, familial, susceptibility to, 2 (BROVCA2). Also called: BRCA2 Hereditary Breast and Ovarian Cancer. Identifiers: Orphanet 145, MedGen C2675520, MONDO:0012933, OMIM 612555. Disease mechanism: loss of function.
Familial cancer of breast. Also called: BREAST CANCER, FAMILIAL; Hereditary breast cancer; hereditary breast carcinoma. Identifiers: Orphanet 227535, MedGen C0346153, MONDO:0016419, OMIM 114480. Disease mechanism: loss of function.

Submissions (2):

Evidence-based Network for the Interpretation of Germline Mutant Alleles (ENIGMA)
Classification: Pathogenic for Breast-ovarian cancer, familial, susceptibility to, 2. Last evaluated: 2017-12-15. Review status: reviewed by expert panel. Criteria: ENIGMA BRCA1/2 Classification Criteria (2017-06-29). Collection method: curation. Allele origin: germline. Study: ENIGMA.
Comment: Variant allele predicted to encode a truncated non-functional protein.

ClinVar Staff, National Center for Biotechnology Information (NCBI)
No classification provided. Condition: Familial cancer of breast. Review status: no classification provided. Collection method: literature only. Allele origin: germline. Affected: yes. Not counted in ClinVar's aggregate classification.

Literature cited by the submitters: PubMed 17851763 (cited by ClinVar Staff, National Center for Biotechnology Information (NCBI)).

NM_000059.4(BRCA2):c.464_468del (p.Arg155fs)

Gene: BRCA2 (BRCA2 DNA repair associated; plus strand). Cytogenetic location: 13q13.1.
Variant type: Deletion.
Coding change: c.464_468del on transcript NM_000059.4 (MANE Select); coding-DNA positions 464 to 468, 5 bases deleted (GAGAT; older notation c.464_468delGAGAT).
Protein change: p.Arg155fs; shifts the reading frame from arginine 155.
Molecular consequence: frameshift variant.
Genome position (GRCh38, 1-based): chr13:32,326,139-32,326,143, GAGAT deleted. VCF-style (leftmost placement, unchanged base first): chr13-32326138-AGAGAT-A. GRCh37 (hg19) VCF-style: chr13-32900275-AGAGAT-A.
Other names: c.464_468delGAGAT (NM_000059.3); short protein forms R155fs.
Identifiers: ClinVar variation 51688 (VCV000051688.3), dbSNP rs397507735, ClinGen allele CA020578.